The following is an entry in ClinVar:

ClinVar aggregate classification (germline): Likely benign (1 of 4 stars; one submission).

Submission:

CeGaT Center for Human Genetics Tuebingen
Classification: Likely benign. Last evaluated: 2025-07-01. Review status: criteria provided, single submitter. Criteria: CeGaT Center For Human Genetics Tuebingen Variant Classification Criteria Version 2. Collection method: clinical testing. Allele origin: germline. Affected: yes. Observed: 1 variant allele.
Comment: MUC16: BP4

NM_001401501.2(MUC16):c.4786G>A (p.Asp1596Asn)

Gene: MUC16 (mucin 16, cell surface associated; minus strand). Cytogenetic location: 19p13.2.
Variant type: single nucleotide variant.
Coding change: c.4786G>A on transcript NM_001401501.2 (MANE Select); coding-DNA position 4786, G replaced by A.
Protein change: p.Asp1596Asn; replaces aspartic acid 1596 with asparagine.
Molecular consequence: missense variant.
Genome position (GRCh38, 1-based): chr19:8,976,473, C>T on the plus strand (G>A on the coding strand, the complement: MUC16 is on the minus strand). VCF-style: chr19-8976473-C-T. GRCh37 (hg19) VCF-style: chr19-9087149-C-T.
Other names: c.5212G>A, p.Asp1738Asn (NM_001414686.1); c.4666G>A, p.Asp1556Asn (NM_001414687.1, NM_024690.2); short protein forms D1556N, D1596N, D1738N.
Identifiers: ClinVar variation 4084660 (VCV004084660.8).